The following is an entry in ClinVar:

NM_006904.7(PRKDC):c.4619C>T (p.Thr1540Met)

Gene: PRKDC (protein kinase, DNA-activated, catalytic subunit; minus strand). Cytogenetic location: 8q11.21.
Variant type: single nucleotide variant.
Coding change: c.4619C>T on transcript NM_006904.7 (MANE Select); coding-DNA position 4619, C replaced by T.
Protein change: p.Thr1540Met; replaces threonine 1540 with methionine.
Molecular consequence: missense variant.
Genome position (GRCh38, 1-based): chr8:47,886,101, G>A on the plus strand (C>T on the coding strand, the complement: PRKDC is on the minus strand). VCF-style: chr8-47886101-G-A. GRCh37 (hg19) VCF-style: chr8-48798662-G-A.
Other names: c.4619C>T, p.Thr1540Met (NM_001081640.2); short protein forms T1540M.
Identifiers: ClinVar variation 846573 (VCV000846573.8), dbSNP rs769502872, ClinGen allele CA4740843.

ClinVar aggregate classification (germline): Uncertain significance (1 of 4 stars; one submission).

Conditions:
Severe combined immunodeficiency due to DNA-PKcs deficiency. Also called: IMMUNODEFICIENCY 26 WITH NEUROLOGIC ABNORMALITIES; Immunodeficiency 26 with or without neurologic abnormalities. Identifiers: Orphanet 317425, MedGen C4014833, MONDO:0014423, OMIM 615966.

gnomAD v4.1: 16 of 1,613,284 alleles (0.00099%); highest among the groups gnomAD compares: East Asian, 0.0022%; no homozygotes.

Submission:

Labcorp Genetics (formerly Invitae), Labcorp
Classification: Uncertain significance for Severe combined immunodeficiency due to DNA-PKcs deficiency. Last evaluated: 2023-08-30. Review status: criteria provided, single submitter. Criteria: Invitae Variant Classification Sherloc (09022015). Collection method: clinical testing. Allele origin: germline.
Comment: This variant is present in population databases (rs769502872, gnomAD 0.004%). In summary, the available evidence is currently insufficient to determine the role of this variant in disease. Therefore, it has been classified as a Variant of Uncertain Significance. Advanced modeling of protein sequence and biophysical properties (such as structural, functional, and spatial information, amino acid conservation, physicochemical variation, residue mobility, and thermodynamic stability) performed at Invitae indicates that this missense variant is not expected to disrupt PRKDC protein function. ClinVar contains an entry for this variant (Variation ID: 846573). This variant has not been reported in the literature in individuals affected with PRKDC-related conditions. This sequence change replaces threonine, which is neutral and polar, with methionine, which is neutral and non-polar, at codon 1540 of the PRKDC protein (p.Thr1540Met).